The following is an entry in ClinVar:

NM_005477.3(HCN4):c.3412C>G (p.Pro1138Ala)

Gene: HCN4 (hyperpolarization activated cyclic nucleotide gated potassium channel 4; minus strand). Cytogenetic location: 15q24.1.
Variant type: single nucleotide variant.
Coding change: c.3412C>G on transcript NM_005477.3 (MANE Select); coding-DNA position 3412, C replaced by G.
Protein change: p.Pro1138Ala; replaces proline 1138 with alanine.
Molecular consequence: missense variant.
Genome position (GRCh38, 1-based): chr15:73,322,681, G>C on the plus strand (C>G on the coding strand, the complement: HCN4 is on the minus strand). VCF-style: chr15-73322681-G-C. GRCh37 (hg19) VCF-style: chr15-73615022-G-C.
Other names: short protein forms P1138A.
Identifiers: ClinVar variation 404130 (VCV000404130.17), dbSNP rs915209025, ClinGen allele CA16614915.

ClinVar aggregate classification (germline): Uncertain significance. Review status: criteria provided, multiple submitters, no conflicts (2 of 4 stars). 4 submissions from 4 submitters: Uncertain significance (4). Last evaluated 2025-05-17.

Conditions:
Cardiovascular phenotype. Identifiers: MedGen CN230736.
Brugada syndrome 8 (BRGDA8). Identifiers: Orphanet 130, MedGen C2751083, MONDO:0013148, OMIM 613123.

Allele frequency attached by ClinVar (database versions not stated): gnomAD 0.00001; TOPMed 0.00003; gnomAD exomes below 0.00001.
gnomAD v4.1: 11 of 1,593,784 alleles (0.00069%); highest among the groups gnomAD compares: Admixed American, 0.0035%; no homozygotes.

Submissions (4):

Labcorp Genetics (formerly Invitae), Labcorp
Classification: Uncertain significance for Brugada syndrome 8. Last evaluated: 2025-05-17. Review status: criteria provided, single submitter. Criteria: Invitae Variant Classification Sherloc (09022015). Collection method: clinical testing. Allele origin: germline.
Comment: This sequence change replaces proline, which is neutral and non-polar, with alanine, which is neutral and non-polar, at codon 1138 of the HCN4 protein (p.Pro1138Ala). This variant is not present in population databases (gnomAD no frequency). This variant has not been reported in the literature in individuals affected with HCN4-related conditions. ClinVar contains an entry for this variant (Variation ID: 404130). Invitae Evidence Modeling of protein sequence and biophysical properties (such as structural, functional, and spatial information, amino acid conservation, physicochemical variation, residue mobility, and thermodynamic stability) indicates that this missense variant is not expected to disrupt HCN4 protein function with a negative predictive value of 95%. In summary, the available evidence is currently insufficient to determine the role of this variant in disease. Therefore, it has been classified as a Variant of Uncertain Significance.

Dasa
Classification: Uncertain significance. Last evaluated: 2025-04-16. Review status: criteria provided, single submitter. Criteria: DASA Assertion Criteria. Collection method: clinical testing. Allele origin: germline.
Comment: NM_005477.3(HCN4):c.3412C>G (p.Pro1138Ala) is a missense variant that results in the substitution of proline with alanine. This variant is rare in population databases. Computational prediction algorithms are consistent with a benign effect. The currently available literature and clinical evidence are not sufficient to establish a definitive association between this variant and the reported condition. Therefore, this variant is classified as a variant of uncertain significance.

GeneDx
Classification: Uncertain significance. Last evaluated: 2025-03-11. Review status: criteria provided, single submitter. Criteria: GeneDx Variant Classification Process June 2021. Collection method: clinical testing. Allele origin: germline. Affected: yes.
Comment: Not observed at significant frequency in large population cohorts (gnomAD); In silico analysis indicates that this missense variant does not alter protein structure/function; Has not been previously published as pathogenic or benign to our knowledge

Ambry Genetics
Classification: Uncertain significance for Cardiovascular phenotype. Last evaluated: 2022-11-19. Review status: criteria provided, single submitter. Criteria: Ambry Variant Classification Scheme 2023. Collection method: clinical testing. Allele origin: germline.
Comment: The p.P1138A variant (also known as c.3412C>G), located in coding exon 8 of the HCN4 gene, results from a C to G substitution at nucleotide position 3412. The proline at codon 1138 is replaced by alanine, an amino acid with highly similar properties. This amino acid position is poorly conserved in available vertebrate species, and alanine is the reference amino acid in other vertebrate species. In addition, the in silico prediction for this alteration is inconclusive. Since supporting evidence is limited at this time, the clinical significance of this alteration remains unclear.